The following is an entry in ClinVar:

NM_004064.5(CDKN1B):c.406G>T (p.Asp136Tyr)

Gene: CDKN1B (cyclin dependent kinase inhibitor 1B; plus strand). Cytogenetic location: 12p13.1.
Variant type: single nucleotide variant.
Coding change: c.406G>T on transcript NM_004064.5 (MANE Select); coding-DNA position 406, G replaced by T.
Protein change: p.Asp136Tyr; replaces aspartic acid 136 with tyrosine.
Molecular consequence: missense variant.
Genome position (GRCh38, 1-based): chr12:12,718,245, G>T. VCF-style: chr12-12718245-G-T. GRCh37 (hg19) VCF-style: chr12-12871179-G-T.
Other names: short protein forms D136Y.
Identifiers: ClinVar variation 1036591 (VCV001036591.8), dbSNP rs1946498276, ClinGen allele CA383970640.

ClinVar aggregate classification (germline): Uncertain significance (1 of 4 stars; one submission).

Conditions:
Multiple endocrine neoplasia type 4. Also called: MULTIPLE ENDOCRINE NEOPLASIA, TYPE IV. Identifiers: Orphanet 276152, MedGen C1970712, MONDO:0012552, OMIM 610755.

Submission:

Labcorp Genetics (formerly Invitae), Labcorp
Classification: Uncertain significance for Multiple endocrine neoplasia type 4. Last evaluated: 2020-12-15. Review status: criteria provided, single submitter. Criteria: Invitae Variant Classification Sherloc (09022015). Collection method: clinical testing. Allele origin: germline.
Comment: Algorithms developed to predict the effect of missense changes on protein structure and function (SIFT, PolyPhen-2, Align-GVGD) all suggest that this variant is likely to be disruptive, but these predictions have not been confirmed by published functional studies and their clinical significance is uncertain. In summary, the available evidence is currently insufficient to determine the role of this variant in disease. Therefore, it has been classified as a Variant of Uncertain Significance. This variant has not been reported in the literature in individuals with CDKN1B-related conditions. This sequence change replaces aspartic acid with tyrosine at codon 136 of the CDKN1B protein (p.Asp136Tyr). The aspartic acid residue is highly conserved and there is a large physicochemical difference between aspartic acid and tyrosine. This variant is not present in population databases (ExAC no frequency).